The following is an entry in ClinVar:

ClinVar aggregate classification (germline): Uncertain significance. Review status: criteria provided, multiple submitters, no conflicts (2 of 4 stars). 4 submissions from 4 submitters: Uncertain significance (4). Last evaluated 2024-02-14.

Conditions:
Breast-ovarian cancer, familial, susceptibility to, 4. Identifiers: Orphanet 145, MedGen C3280345, MONDO:0013669, OMIM 614291.
Hereditary cancer-predisposing syndrome. Also called: Neoplastic Syndromes, Hereditary; Tumor predisposition; Hereditary Cancer Syndrome; Hereditary neoplastic syndrome. Identifiers: Orphanet 140162, MedGen C0027672, MeSH D009386, MONDO:0015356.

Submissions (4):

Baylor Genetics
Classification: Uncertain significance for Breast-ovarian cancer, familial, susceptibility to, 4. Last evaluated: 2024-02-14. Review status: criteria provided, single submitter. Criteria: ACMG Guidelines, 2015. Collection method: clinical testing. Allele origin: unknown.

Labcorp Genetics (formerly Invitae), Labcorp
Classification: Uncertain significance for Breast-ovarian cancer, familial, susceptibility to, 4. Last evaluated: 2023-08-03. Review status: criteria provided, single submitter. Criteria: Invitae Variant Classification Sherloc (09022015). Collection method: clinical testing. Allele origin: germline.
Comment: This sequence change replaces serine, which is neutral and polar, with tryptophan, which is neutral and slightly polar, at codon 62 of the RAD51D protein (p.Ser62Trp). This variant is not present in population databases (gnomAD no frequency). This variant has not been reported in the literature in individuals affected with RAD51D-related conditions. ClinVar contains an entry for this variant (Variation ID: 187224). In summary, the available evidence is currently insufficient to determine the role of this variant in disease. Therefore, it has been classified as a Variant of Uncertain Significance. Advanced modeling of protein sequence and biophysical properties (such as structural, functional, and spatial information, amino acid conservation, physicochemical variation, residue mobility, and thermodynamic stability) has been performed at Invitae for this missense variant, however the output from this modeling did not meet the statistical confidence thresholds required to predict the impact of this variant on RAD51D protein function.

Color Diagnostics, LLC DBA Color Health
Classification: Uncertain significance for Hereditary cancer-predisposing syndrome. Last evaluated: 2018-12-18. Review status: criteria provided, single submitter. Criteria: ACMG Guidelines, 2015. Collection method: clinical testing. Allele origin: germline.

Ambry Genetics
Classification: Uncertain significance for Hereditary cancer-predisposing syndrome. Last evaluated: 2014-11-24. Review status: criteria provided, single submitter. Criteria: Ambry Variant Classification Scheme 2023. Collection method: clinical testing. Allele origin: germline.
Comment: The p.S62W variant (also known as c.185C>G), located in coding exon 3 of the RAD51D gene, results from a C to G substitution at nucleotide position 185. The serine at codon 62 is replaced by tryptophan, an amino acid with highly dissimilar properties. This variant was not reported in population based cohorts in the following databases: Database of Single Nucleotide Polymorphisms (dbSNP), NHLBI Exome Sequencing Project (ESP), and 1000 Genomes Project. In the ESP, this variant was not observed in 6503 samples (13006 alleles) with coverage at this position. To date, this alteration has been detected with an allele frequency of approximately 0.01% (greater than 11000 alleles tested) in our clinical cohort. This amino acid position is well conserved in available vertebrate species. In addition, this alteration is predicted to be tolerated by in silico analysis. Since supporting evidence is limited at this time, the clinical significance of p.S62W remains unclear.

NM_002878.4(RAD51D):c.185C>G (p.Ser62Trp)

Genes: RAD51D (RAD51 paralog D; minus strand), RAD51L3-RFFL (RAD51L3-RFFL readthrough; minus strand). Cytogenetic location: 17q12.
Variant type: single nucleotide variant.
Coding change: c.185C>G on transcript NM_002878.4 (MANE Select); coding-DNA position 185, C replaced by G.
Protein change: p.Ser62Trp; replaces serine 62 with tryptophan.
Molecular consequence: missense variant. On other transcripts: intron variant (2).
Genome position (GRCh38, 1-based): chr17:35,118,579, G>C on the plus strand (C>G on the coding strand, the complement: RAD51D is on the minus strand). VCF-style: chr17-35118579-G-C. GRCh37 (hg19) VCF-style: chr17-33445598-G-C.
Other names: c.144+532C>G (NM_133629.3, NM_001142571.2); short protein forms S62W.
Identifiers: ClinVar variation 187224 (VCV000187224.17), dbSNP rs374357106, ClinGen allele CA197069.